The following is an entry in ClinVar:

ClinVar aggregate classification (germline): Uncertain significance (1 of 4 stars; one submission).

Allele frequency attached by ClinVar (database versions not stated): gnomAD 0.00001; gnomAD exomes 0.00002.
gnomAD v4.1: 28 of 1,597,970 alleles (0.0018%); highest among the groups gnomAD compares: Non-Finnish European, 0.0024%; no homozygotes.

Submission:

Labcorp Genetics (formerly Invitae), Labcorp
Classification: Uncertain significance. Last evaluated: 2024-05-14. Review status: criteria provided, single submitter. Criteria: Invitae Variant Classification Sherloc (09022015). Collection method: clinical testing. Allele origin: germline.
Comment: This sequence change replaces alanine, which is neutral and non-polar, with serine, which is neutral and polar, at codon 859 of the HMCN1 protein (p.Ala859Ser). This variant is present in population databases (no rsID available, gnomAD 0.004%). This variant has not been reported in the literature in individuals affected with HMCN1-related conditions. ClinVar contains an entry for this variant (Variation ID: 1482406). An algorithm developed to predict the effect of missense changes on protein structure and function (PolyPhen-2) suggests that this variant is likely to be disruptive. In summary, the available evidence is currently insufficient to determine the role of this variant in disease. Therefore, it has been classified as a Variant of Uncertain Significance.

NM_031935.3(HMCN1):c.2575G>T (p.Ala859Ser)

Gene: HMCN1 (hemicentin 1; plus strand). Cytogenetic location: 1q31.1.
Variant type: single nucleotide variant.
Coding change: c.2575G>T on transcript NM_031935.3 (MANE Select); coding-DNA position 2575, G replaced by T.
Protein change: p.Ala859Ser; replaces alanine 859 with serine.
Molecular consequence: missense variant.
Genome position (GRCh38, 1-based): chr1:185,980,986, G>T. VCF-style: chr1-185980986-G-T. GRCh37 (hg19) VCF-style: chr1-185950118-G-T.
Other names: short protein forms A859S.
Identifiers: ClinVar variation 1482406 (VCV001482406.6), dbSNP rs1274918563, ClinGen allele CA343885479.